The following is an entry in ClinVar:

NM_001374828.1(ARID1B):c.2360A>G (p.Gln787Arg)

Gene: ARID1B (AT-rich interaction domain 1B; plus strand). Cytogenetic location: 6q25.3.
Variant type: single nucleotide variant.
Coding change: c.2360A>G on transcript NM_001374828.1 (MANE Select); coding-DNA position 2360, A replaced by G.
Protein change: p.Gln787Arg; replaces glutamine 787 with arginine.
Molecular consequence: missense variant. On other transcripts: 5 prime UTR variant (2).
Genome position (GRCh38, 1-based): chr6:157,084,774, A>G. VCF-style: chr6-157084774-A-G. GRCh37 (hg19) VCF-style: chr6-157405908-A-G.
Other names: c.2402A>G, p.Gln801Arg (NM_001438483.1, NM_001438486.1); c.2360A>G, p.Gln787Arg (NM_001438485.1, NM_001438487.1, NM_017519.3 and 1 more transcripts); c.-140A>G (NM_001438488.1, NM_001363725.2); c.2399A>G, p.Gln800Arg (NM_001371656.1, NM_001374820.1); short protein forms Q787R, Q800R, Q801R.
Identifiers: ClinVar variation 4884974 (VCV004884974.2).
Genomic context (GRCh38, chr6:157,084,774, plus strand): 5'-GCTCAGCAGTCAGTGCATCCGGGTCCACGAGCAGCCAAGGGGATCAGAGCAACCCGGCGC[A>G]GTCGCCTTTCTCCCCACATGCGTCCCCTCATCTCTCCAGCATCCCGGGGGGCCCATCTCC-3'
Protein context (NP_001361757.1, residues 777-797): SSQGDQSNPA[Gln787Arg]SPFSPHASPH

ClinVar aggregate classification (germline): Uncertain significance (1 of 4 stars; one submission).

Submission:

Dasa
Classification: Uncertain significance. Last evaluated: 2025-10-08. Review status: criteria provided, single submitter. Criteria: DASA Assertion Criteria. Collection method: clinical testing. Allele origin: germline.
Comment: NM_001374828.1(ARID1B):c.2360A>G (p.Gln787Arg) is a missense variant that results in the substitution of glutamine with arginine. This variant is absent from population databases. The currently available literature and clinical evidence are not sufficient to establish a definitive association between this variant and the reported condition. Therefore, this variant is classified as a variant of uncertain significance.